The following is an entry in ClinVar:

ClinVar aggregate classification (germline): Likely benign (1 of 4 stars; one submission).

gnomAD v4.1: 79 of 1,614,138 alleles (0.0049%); highest among the groups gnomAD compares: Admixed American, 0.042%; no homozygotes.

Submission:

CeGaT Center for Human Genetics Tuebingen
Classification: Likely benign. Last evaluated: 2025-10-01. Review status: criteria provided, single submitter. Criteria: CeGaT Center For Human Genetics Tuebingen Variant Classification Criteria Version 2. Collection method: clinical testing. Allele origin: germline. Affected: yes. Observed: 1 variant allele.
Comment: SPEN: BP4, BP7

NM_015001.3(SPEN):c.8493C>T (p.Ser2831=)

Gene: SPEN (spen family transcriptional repressor; plus strand). Cytogenetic location: 1p36.13.
Variant type: single nucleotide variant.
Coding change: c.8493C>T on transcript NM_015001.3 (MANE Select); coding-DNA position 8493, C replaced by T.
Protein change: p.Ser2831=; no amino-acid change (serine 2831 retained).
Molecular consequence: synonymous variant.
Genome position (GRCh38, 1-based): chr1:15,934,733, C>T. VCF-style: chr1-15934733-C-T. GRCh37 (hg19) VCF-style: chr1-16261228-C-T.
Identifiers: ClinVar variation 4533950 (VCV004533950.6).